The following is an entry in ClinVar:

NM_017799.4(TMEM260):c.649G>C (p.Gly217Arg)

Gene: TMEM260 (transmembrane protein 260; plus strand). Cytogenetic location: 14q22.3.
Variant type: single nucleotide variant.
Coding change: c.649G>C on transcript NM_017799.4 (MANE Select); coding-DNA position 649, G replaced by C.
Protein change: p.Gly217Arg; replaces glycine 217 with arginine.
Molecular consequence: missense variant.
Genome position (GRCh38, 1-based): chr14:56,609,118, G>C. VCF-style: chr14-56609118-G-C. GRCh37 (hg19) VCF-style: chr14-57075836-G-C.
Other names: short protein forms G217R.
Identifiers: ClinVar variation 1028062 (VCV001028062.1), dbSNP rs150439233, ClinGen allele CA7199828.

ClinVar aggregate classification (germline): Uncertain significance (1 of 4 stars; one submission).

Conditions:
Structural heart defects and renal anomalies syndrome (SHDRA). Identifiers: Orphanet 689822, MedGen C4479549, MONDO:0044321, OMIM 617478.

Allele frequency attached by ClinVar (database versions not stated): TOPMed 0.00004; gnomAD exomes 0.00021 and 0.00056; ESP Exome Variant Server 0.00023; ExAC 0.00049; gnomAD 0.00051 and 0.00056.
gnomAD v4.1: 384 of 1,613,792 alleles (0.024%); highest among the groups gnomAD compares: Non-Finnish European, 0.0084%; 3 homozygotes.

Submission:

Baylor Genetics
Classification: Uncertain significance for Structural heart defects and renal anomalies syndrome. Last evaluated: 2019-07-12. Review status: criteria provided, single submitter. Criteria: ACMG Guidelines, 2015. Collection method: clinical testing. Allele origin: unknown. Affected: yes.
Comment: This variant was determined to be of uncertain significance according to ACMG Guidelines, 2015 [PMID:25741868].